The following is an entry in ClinVar:

ClinVar aggregate classification (germline): Uncertain significance (1 of 4 stars; one submission).

Conditions:
Myopathy, proximal, and ophthalmoplegia (CMYO6). Also called: CONGENITAL MYOPATHY 6 WITH OPHTHALMOPLEGIA; MYOPATHY WITH CONGENITAL JOINT CONTRACTURES, OPHTHALMOPLEGIA, AND RIMMED VACUOLES; INCLUSION BODY MYOPATHY 3, AUTOSOMAL DOMINANT. Identifiers: Orphanet 363677, Orphanet 79091, MedGen C1854106, MONDO:0011577, OMIM 605637.

Submission:

Juno Genomics, Hangzhou Juno Genomics, Inc
Classification: Uncertain significance for Myopathy, proximal, and ophthalmoplegia. Review status: criteria provided, single submitter. Criteria: ACMG Guidelines, 2015. Collection method: clinical testing. Allele origin: germline.
Comment: Absent from controls (or at extremely low frequency if recessive) in Genome Aggregation Database.;Missense variant in a gene that has a low rate of benign missense variation.;Multiple lines of computational evidence support a deleterious effect on the gene or gene product.

NM_017534.6(MYH2):c.3251A>G (p.Glu1084Gly)

Genes: MYH2 (myosin heavy chain 2; minus strand), MYHAS (myosin heavy chain gene cluster antisense RNA; plus strand). Cytogenetic location: 17p13.1.
Variant type: single nucleotide variant.
Coding change: c.3251A>G on transcript NM_017534.6 (MANE Select); coding-DNA position 3251, A replaced by G.
Protein change: p.Glu1084Gly; replaces glutamic acid 1084 with glycine.
Molecular consequence: missense variant.
Genome position (GRCh38, 1-based): chr17:10,529,348, T>C on the plus strand (A>G on the coding strand, the complement: MYH2 is on the minus strand). VCF-style: chr17-10529348-T-C. GRCh37 (hg19) VCF-style: chr17-10432665-T-C.
Other names: c.3251A>G, p.Glu1084Gly (NM_001100112.2); short protein forms E1084G.
Identifiers: ClinVar variation 5005675 (VCV005005675.2).
Genomic context (GRCh38, chr17:10,529,348, plus strand): 5'-CGTATCTAATGTTGGAAGCAAATCCATAAGCAATTCTTTCTTACTTACTTTTTGAGCTTT[T>C]CATCAAGTTGCTGTTTCTCATTTTCAATGTCCATTATGGATTCTTGGGCCAACTTCAAGT-3'
Protein context (NP_060004.3, residues 1074-1094): DIENEKQQLD[Glu1084Gly]KLKKKEFEIS